The following is an entry in ClinVar:

ClinVar aggregate classification (germline): Uncertain significance (1 of 4 stars; one submission).

Conditions:
Atrial standstill 1 (ATRST1). Also called: CARDIOMYOPATHY, FAMILIAL, WITH CONDUCTION DISTURBANCE; ATRIAL CARDIOMYOPATHY WITH HEART BLOCK; Atrial standstill, digenic (GJA5/SCN5A). Identifiers: Orphanet 1344, MedGen C4551959, MONDO:0007171, OMIM 108770.
Atrial fibrillation, familial, 11 (ATFB11). Identifiers: MedGen C3279693, MONDO:0013544, OMIM 614049.

gnomAD v4.1: 1 of 1,614,200 alleles (0.000062%); no homozygotes.

Submission:

Labcorp Genetics (formerly Invitae), Labcorp
Classification: Uncertain significance for Atrial fibrillation, familial, 11; Atrial standstill 1. Last evaluated: 2024-03-16. Review status: criteria provided, single submitter. Criteria: Invitae Variant Classification Sherloc (09022015). Collection method: clinical testing. Allele origin: germline.
Comment: This sequence change replaces cysteine, which is neutral and slightly polar, with tyrosine, which is neutral and polar, at codon 248 of the GJA5 protein (p.Cys248Tyr). This variant is not present in population databases (gnomAD no frequency). This variant has not been reported in the literature in individuals affected with GJA5-related conditions. Advanced modeling of protein sequence and biophysical properties (such as structural, functional, and spatial information, amino acid conservation, physicochemical variation, residue mobility, and thermodynamic stability) performed at Invitae indicates that this missense variant is not expected to disrupt GJA5 protein function with a negative predictive value of 80%. In summary, the available evidence is currently insufficient to determine the role of this variant in disease. Therefore, it has been classified as a Variant of Uncertain Significance.

NM_181703.4(GJA5):c.743G>A (p.Cys248Tyr)

Genes: GJA5 (gap junction protein alpha 5; minus strand), LOC122128420 (Sharpr-MPRA regulatory region 3144; plus strand). Cytogenetic location: 1q21.2.
Variant type: single nucleotide variant.
Coding change: c.743G>A on transcript NM_181703.4 (MANE Select); coding-DNA position 743, G replaced by A.
Protein change: p.Cys248Tyr; replaces cysteine 248 with tyrosine.
Molecular consequence: missense variant.
Genome position (GRCh38, 1-based): chr1:147,758,496, C>T on the plus strand (G>A on the coding strand, the complement: GJA5 is on the minus strand). VCF-style: chr1-147758496-C-T. GRCh37 (hg19) VCF-style: chr1-147230604-C-T.
Other names: c.743G>A, p.Cys248Tyr (NM_005266.7); short protein forms C248Y.
Identifiers: ClinVar variation 3752119 (VCV003752119.2).
Genomic context (GRCh38, chr1:147,758,496, plus strand): 5'-TTAAAGTCGGGGGGTGGTGTGCAGCTCTGGACTATGCCCACAGAGGGGCCAGAAAGCTGG[C>T]ACTTAGCCATGTGCTGCCGCGGTTTGACAAATCGCTGTCTGATCTTCTTCCAGCCCAGGT-3'
Protein context (NP_859054.1, residues 238-258): FVKPRQHMAK[Cys248Tyr]QLSGPSVGIV